The following is an entry in ClinVar:

ClinVar aggregate classification (germline): Likely pathogenic. Review status: criteria provided, multiple submitters, no conflicts (2 of 4 stars). 2 submissions from 2 submitters: Likely pathogenic (2). Last evaluated 2025-11-02.

Conditions:
Neurodevelopmental disorder with dysmorphic facies and variable seizures (NEDDFAS). Also called: EMC10-Related Neurodevelopmental Disorder. Identifiers: MedGen C5543268, MONDO:0031011, OMIM 619264.

gnomAD v4.1: 2 of 1,612,460 alleles (0.00012%); highest among the groups gnomAD compares: East Asian, 0.0022%; no homozygotes.

Submissions (2):

Variantyx, Inc.
Classification: Likely pathogenic for Neurodevelopmental disorder with dysmorphic facies and variable seizures. Last evaluated: 2025-11-02. Review status: criteria provided, single submitter. Criteria: Variantyx Assertion Criteria 2022. Collection method: clinical testing. Allele origin: germline. Inheritance: Autosomal recessive inheritance. Affected: no.
Comment: This is a nonsense variant in the EMC10 gene (OMIM: 614545). Pathogenic variants in this gene have been associated with autosomal recessive Neurodevelopmental disorder with dysmorphic facies and variable seizures. This variant introduces a premature termination codon in exon 4 out of 7 and is expected to result in loss of function, which is a known disease mechanism for EMC10 in this disorder (PMID: 35684946). (PVS1). This variant has a 0.0024% maximum allele frequency in non-founder control populations (PM2). Based on the current evidence, this variant is classified as likely pathogenic for Neurodevelopmental disorder with dysmorphic facies and variable seizures.

Dasa
Classification: Likely pathogenic. Last evaluated: 2025-02-07. Review status: criteria provided, single submitter. Criteria: DASA Assertion Criteria. Collection method: clinical testing. Allele origin: germline.
Comment: NM_206538.4(EMC10):c.324C>G (p.Tyr108*) is a nonsense variant in EMC10 predicted to introduce a premature termination codon and is predicted to result in an absent or altered protein product. Loss of function is an established disease mechanism for EMC10-associated disorders. Also, this variant is rare in population databases. Based on the currently available evidence, this variant is classified as likely pathogenic.

Literature cited by the submitters: PubMed 35684946 (cited by Variantyx, Inc.).

NM_206538.4(EMC10):c.324C>G (p.Tyr108Ter)

Gene: EMC10 (ER membrane protein complex subunit 10; plus strand). Cytogenetic location: 19q13.33.
Variant type: single nucleotide variant.
Coding change: c.324C>G on transcript NM_206538.4 (MANE Select); coding-DNA position 324, C replaced by G.
Protein change: p.Tyr108Ter; replaces tyrosine 108 with a stop codon.
Molecular consequence: nonsense.
Genome position (GRCh38, 1-based): chr19:50,480,137, C>G. VCF-style: chr19-50480137-C-G. GRCh37 (hg19) VCF-style: chr19-50983394-C-G.
Other names: c.324C>G, p.Tyr108Ter (NM_175063.6); short protein forms Y108*.
Identifiers: ClinVar variation 4850785 (VCV004850785.3).
Genomic context (GRCh38, chr19:50,480,137, plus strand): 5'-CCTTCTGACCAGCACCCTCTTCTCCCATCCCCAGGATGTGGCAGCCCTGAATGGCCTGTA[C>G]CGGGTCCGGATCCCAAGGCGACCCGGGGCCCTGGATGGCCTGGAAGCTGGTGGCTATGTC-3'